The following is an entry in ClinVar:

ClinVar aggregate classification (germline): Uncertain significance. Review status: criteria provided, multiple submitters, no conflicts (2 of 4 stars). 2 submissions from 2 submitters: Uncertain significance (2). Last evaluated 2025-05-22.

Conditions:
Colorectal cancer, hereditary nonpolyposis, type 7. Identifiers: Orphanet 144, MedGen C1858380, MONDO:0013725, OMIM 614385.

gnomAD v4.1: 64 of 1,613,534 alleles (0.004%); highest among the groups gnomAD compares: Non-Finnish European, 0.005%; no homozygotes.

Submissions (2):

Ambry Genetics
Classification: Uncertain significance. Last evaluated: 2025-05-22. Review status: criteria provided, single submitter. Criteria: Ambry Variant Classification Scheme 2023. Collection method: clinical testing. Allele origin: germline.
Comment: The p.I609L variant (also known as c.1825A>C), located in coding exon 1 of the MLH3 gene, results from an A to C substitution at nucleotide position 1825. The isoleucine at codon 609 is replaced by leucine, an amino acid with highly similar properties. This amino acid position is well conserved in available vertebrate species. In addition, this alteration is predicted to be tolerated by in silico analysis. The evidence for this gene-disease relationship is limited; therefore, the clinical significance of this alteration is unclear.

Labcorp Genetics (formerly Invitae), Labcorp
Classification: Uncertain significance for Colorectal cancer, hereditary nonpolyposis, type 7. Last evaluated: 2024-10-17. Review status: criteria provided, single submitter. Criteria: Invitae Variant Classification Sherloc (09022015). Collection method: clinical testing. Allele origin: germline.
Comment: This sequence change replaces isoleucine, which is neutral and non-polar, with leucine, which is neutral and non-polar, at codon 609 of the MLH3 protein (p.Ile609Leu). This variant is present in population databases (rs61755654, gnomAD 0.002%). This variant has not been reported in the literature in individuals affected with MLH3-related conditions. ClinVar contains an entry for this variant (Variation ID: 1433075). An algorithm developed to predict the effect of missense changes on protein structure and function (PolyPhen-2) suggests that this variant is likely to be disruptive. In summary, the available evidence is currently insufficient to determine the role of this variant in disease. Therefore, it has been classified as a Variant of Uncertain Significance.

NM_001040108.2(MLH3):c.1825A>C (p.Ile609Leu)

Gene: MLH3 (mutL homolog 3; minus strand). Cytogenetic location: 14q24.3.
Variant type: single nucleotide variant.
Coding change: c.1825A>C on transcript NM_001040108.2 (MANE Select); coding-DNA position 1825, A replaced by C.
Protein change: p.Ile609Leu; replaces isoleucine 609 with leucine.
Molecular consequence: missense variant.
Genome position (GRCh38, 1-based): chr14:75,047,831, T>G on the plus strand (A>C on the coding strand, the complement: MLH3 is on the minus strand). VCF-style: chr14-75047831-T-G. GRCh37 (hg19) VCF-style: chr14-75514534-T-G.
Other names: c.1825A>C, p.Ile609Leu (NM_014381.3); short protein forms I609L.
Identifiers: ClinVar variation 1433075 (VCV001433075.9), dbSNP rs61755654, ClinGen allele CA263652763.
Genomic context (GRCh38, chr14:75,047,831, plus strand): 5'-TTTTAAATGAATGTTCTGTTTCAGTTGATTTAGTTTTTTCATTTTGTACTACATGAGTTA[T>G]AAAGCCAGTGGAACATAATTTAACTCGCCCATAACTAAAAACATTTCTTCTTCCACAATT-3'
Protein context (NP_001035197.1, residues 599-619): GRVKLCSTGF[Ile609Leu]THVVQNEKTK